The following is an entry in ClinVar:

NM_018723.4(RBFOX1):c.130C>T (p.Pro44Ser)

Gene: RBFOX1 (RNA binding fox-1 homolog 1; plus strand). Cytogenetic location: 16p13.3.
Variant type: single nucleotide variant.
Coding change: c.130C>T on transcript NM_018723.4 (MANE Select); coding-DNA position 130, C replaced by T.
Protein change: p.Pro44Ser; replaces proline 44 with serine.
Molecular consequence: missense variant.
Genome position (GRCh38, 1-based): chr16:7,518,249, C>T. VCF-style: chr16-7518249-C-T. GRCh37 (hg19) VCF-style: chr16-7568251-C-T.
Other names: c.130C>T, p.Pro44Ser (NM_001142333.2, NM_001142334.2, NM_001364800.2); c.259C>T, p.Pro87Ser (NM_001308117.1); c.190C>T, p.Pro64Ser (NM_145891.3, NM_145892.3, NM_145893.3); short protein forms P44S, P64S, P87S.
Identifiers: ClinVar variation 241955 (VCV000241955.28), dbSNP rs201490398, ClinGen allele CA7891328.
Genomic context (GRCh38, chr16:7,518,249, plus strand): 5'-CCTTACGCTTCGGCCCAGTTTGCTCCCCCGCAGAACGGTATCCCCGCGGAATACACGGCC[C>T]CTCATCCCCACCCCGCGCCAGAGTACACAGGCCAGACCACGGTTCCCGAGCACACATTAA-3'
Protein context (NP_061193.2, residues 34-54): QNGIPAEYTA[Pro44Ser]HPHPAPEYTG

ClinVar aggregate classification (germline): Uncertain significance. Review status: criteria provided, multiple submitters, no conflicts (2 of 4 stars). 2 submissions from 2 submitters: Uncertain significance (2). Last evaluated 2025-11-04.

Conditions:
Idiopathic generalized epilepsy. Also called: EIG; Generalised epilepsy. Identifiers: MedGen C0270850, MONDO:0005579, OMIM 600669.

Allele frequency attached by ClinVar (database versions not stated): ExAC 0.00002; gnomAD 0.00003 and 0.00004; TOPMed 0.00004; 1000 Genomes Project 0.00020; 1000 Genomes Project 30x 0.00031.
gnomAD v4.1: 24 of 1,614,148 alleles (0.0015%); highest among the groups gnomAD compares: Admixed American, 0.01%; no homozygotes.

Submissions (2):

Labcorp Genetics (formerly Invitae), Labcorp
Classification: Uncertain significance for Idiopathic generalized epilepsy. Last evaluated: 2025-11-04. Review status: criteria provided, single submitter. Criteria: Invitae Variant Classification Sherloc (09022015). Collection method: clinical testing. Allele origin: germline.
Comment: This sequence change replaces proline, which is neutral and non-polar, with serine, which is neutral and polar, at codon 64 of the RBFOX1 protein (p.Pro64Ser). This variant is present in population databases (rs201490398, gnomAD 0.006%). This variant has not been reported in the literature in individuals affected with RBFOX1-related conditions. ClinVar contains an entry for this variant (Variation ID: 241955). Invitae Evidence Modeling of protein sequence and biophysical properties (such as structural, functional, and spatial information, amino acid conservation, physicochemical variation, residue mobility, and thermodynamic stability) indicates that this missense variant is not expected to disrupt RBFOX1 protein function with a negative predictive value of 80%. In summary, the available evidence is currently insufficient to determine the role of this variant in disease. Therefore, it has been classified as a Variant of Uncertain Significance.

CeGaT Center for Human Genetics Tuebingen
Classification: Uncertain significance. Last evaluated: 2024-07-01. Review status: criteria provided, single submitter. Criteria: CeGaT Center For Human Genetics Tuebingen Variant Classification Criteria Version 2. Collection method: clinical testing. Allele origin: germline. Affected: yes. Observed: 1 variant allele.